The following is an entry in ClinVar:

ClinVar aggregate classification (germline): Benign. Review status: criteria provided, multiple submitters, no conflicts (2 of 4 stars). 4 submissions from 3 submitters: Benign (4). Last evaluated 2018-08-17.

Conditions:
GTP cyclohydrolase I deficiency. Identifiers: MedGen C0268467, MONDO:0100184.
Dystonia 5 (DRD). Also called: DYSTONIA, PROGRESSIVE, WITH DIURNAL VARIATION; DYSTONIA-PARKINSONISM WITH DIURNAL FLUCTUATION; Dystonia, DOPA-responsive, with or without hyperphenylalaninemia; GTP Cyclohydrolase 1-Deficient Dopa-Responsive Dystonia; DYT-GCH1. Identifiers: Orphanet 98808, MedGen C1851920, MONDO:0007495, OMIM 128230.

Allele frequency attached by ClinVar (database versions not stated): 1000 Genomes Project 0.07408; 1000 Genomes Project 30x 0.07589; TOPMed 0.08898; gnomAD 0.10240 and 0.10500; gnomAD exomes 0.11348.
gnomAD v4.1: 153,093 of 1,366,792 alleles (11%); highest among the groups gnomAD compares: Non-Finnish European, 12%; 9,468 homozygotes.

Submissions (4):

GeneDx
Classification: Benign. Last evaluated: 2018-08-17. Review status: criteria provided, single submitter. Criteria: GeneDx Variant Classification Process June 2021. Collection method: clinical testing. Allele origin: germline. Affected: yes.

Illumina Laboratory Services, Illumina
Classification: Benign for Dystonia 5. Last evaluated: 2018-01-13. Review status: criteria provided, single submitter. Criteria: ICSL Variant Classification Criteria 13 December 2019. Collection method: clinical testing. Allele origin: germline.
Comment: This variant was observed in the ICSL laboratory as part of a predisposition screen in an ostensibly healthy population. It had not been previously curated by ICSL or reported in the Human Gene Mutation Database (HGMD: prior to June 1st, 2018), and was therefore a candidate for classification through an automated scoring system. Utilizing variant allele frequency, disease prevalence and penetrance estimates, and inheritance mode, an automated score was calculated to assess if this variant is too frequent to cause the disease. Based on the score and internal cut-off values, a variant classified as benign is not then subjected to further curation. The score for this variant resulted in a classification of benign for this disease.

Illumina Laboratory Services, Illumina
Classification: Benign for GTP cyclohydrolase I deficiency with hyperphenylalaninemia. Last evaluated: 2018-01-13. Review status: criteria provided, single submitter. Criteria: ICSL Variant Classification Criteria 13 December 2019. Collection method: clinical testing. Allele origin: germline.
Comment: the same text as in the submission from Illumina Laboratory Services, Illumina above.

Breakthrough Genomics
Classification: Benign. Review status: criteria provided, single submitter. Criteria: ACMG Guidelines, 2015. Collection method: not provided. Allele origin: germline. Inheritance: Autosomal recessive inheritance. Affected: yes.

NM_000161.3(GCH1):c.*732A>G

Gene: GCH1 (GTP cyclohydrolase 1; minus strand). Cytogenetic location: 14q22.2.
Variant type: single nucleotide variant.
Coding change: c.*732A>G on transcript NM_000161.3 (MANE Select); 732 bases downstream of the stop codon, A replaced by G.
Molecular consequence: 3 prime UTR variant. On other transcripts: intron variant (3).
Genome position (GRCh38, 1-based): chr14:54,843,285, T>C on the plus strand (A>G on the coding strand, the complement: GCH1 is on the minus strand). VCF-style: chr14-54843285-T-C. GRCh37 (hg19) VCF-style: chr14-55310003-T-C.
Other names: c.627-231A>G (NM_001024071.2); c.*13-231A>G (NM_001024070.2); c.*17-231A>G (NM_001024024.2).
Identifiers: ClinVar variation 313378 (VCV000313378.8), dbSNP rs45454691, ClinGen allele CA10644314.
Genomic context (GRCh38, chr14:54,843,285, plus strand): 5'-AGTACTAAGTCTCATAAAATAATGGCTTTTTTAAAAAGGCAAAAGTATCTACACTCTAAA[T>C]GATATTCTTATCAAGGCACAGAGAGTTAAATGTCTAAATCCCTGTATGTTGACACGAGAA-3'